The following is an entry in ClinVar:

NM_015158.5(KANK1):c.780G>A (p.Leu260=)

Gene: KANK1 (KN motif and ankyrin repeat domains 1; plus strand). Cytogenetic location: 9p24.3.
Variant type: single nucleotide variant.
Coding change: c.780G>A on transcript NM_015158.5 (MANE Select); coding-DNA position 780, G replaced by A.
Protein change: p.Leu260=; no amino-acid change (leucine 260 retained).
Molecular consequence: synonymous variant. On other transcripts: non-coding transcript variant (1).
Genome position (GRCh38, 1-based): chr9:711,546, G>A. VCF-style: chr9-711546-G-A. GRCh37 (hg19) VCF-style: chr9-711546-G-A.
Other names: c.780G>A, p.Leu260= (NM_001256876.3, NM_001256877.3, NM_001354331.2 and 3 more transcripts); c.306G>A, p.Leu102= (NM_001354333.2, NM_001354335.2, NM_001354336.2 and 10 more transcripts).
Identifiers: ClinVar variation 4873622 (VCV004873622.2).

ClinVar aggregate classification (germline): Likely benign (1 of 4 stars; one submission).

gnomAD v4.1: 11 of 1,613,896 alleles (0.00068%); highest among the groups gnomAD compares: Non-Finnish European, 0.00093%; no homozygotes.

Submission:

CeGaT Center for Human Genetics Tuebingen
Classification: Likely benign. Last evaluated: 2026-04-01. Review status: criteria provided, single submitter. Criteria: CeGaT Center For Human Genetics Tuebingen Variant Classification Criteria Version 2. Collection method: clinical testing. Allele origin: germline. Affected: yes. Observed: 1 variant allele.
Comment: KANK1: BP4, BP7